The following is an entry in ClinVar:

ClinVar aggregate classification (germline): Conflicting classifications of pathogenicity. Review status: criteria provided, conflicting classifications (1 of 4 stars). 6 submissions from 5 submitters: Uncertain significance (1); Benign (2); Likely benign (2). 1 of the submissions does not count toward it. Last evaluated 2026-02-02.

Conditions:
Achromatopsia. Also called: Rod monochromatism. Identifiers: Orphanet 49382, MedGen C0152200, MONDO:0018852, HP:0011516.
Achromatopsia 3 (ACHM3). Also called: ACHROMATOPSIA WITH MYOPIA; PINGELAPESE BLINDNESS; TOTAL COLORBLINDNESS WITH MYOPIA; ROD MONOCHROMACY 1; ROD MONOCHROMATISM 1. Identifiers: Orphanet 49382, MedGen C1849792, MONDO:0009875, OMIM 262300.
Severe early-childhood-onset retinal dystrophy (STGD1). Also called: Stargardt macular dystrophy; Juvenile onset macular degeneration; Stargardt disease 1; MACULAR DYSTROPHY WITH FLECKS, TYPE 1; STGD. Identifiers: Orphanet 364055, Orphanet 827, MedGen C1855465, MeSH D000080362, MONDO:0009549, OMIM 248200.

Allele frequency attached by ClinVar (database versions not stated): gnomAD exomes 0.00015 and 0.00108; gnomAD 0.00025 and 0.00036; ExAC 0.00106; 1000 Genomes Project 30x 0.00297; TOPMed 0.00046; 1000 Genomes Project 0.00359.
gnomAD v4.1: 278 of 1,613,890 alleles (0.017%); highest among the groups gnomAD compares: East Asian, 0.58%; 1 homozygote.

Submissions (6):

Labcorp Genetics (formerly Invitae), Labcorp
Classification: Benign. Last evaluated: 2026-02-02. Review status: criteria provided, single submitter. Criteria: Invitae Variant Classification Sherloc (09022015). Collection method: clinical testing. Allele origin: germline.

Illumina Laboratory Services, Illumina
Classification: Uncertain significance for Severe early-childhood-onset retinal dystrophy. Last evaluated: 2017-04-27. Review status: criteria provided, single submitter. Criteria: ICSL Variant Classification Criteria 13 December 2019. Collection method: clinical testing. Allele origin: germline.
Comment: This variant was observed as part of a predisposition screen in an ostensibly healthy population. A literature search was performed for the gene, cDNA change, and amino acid change (where applicable). Publications were found based on this search. However, the evidence from the literature, in combination with allele frequency data from public databases where available, was not sufficient to rule this variant in or out of causing disease. Therefore, this variant is classified as a variant of unknown significance.

Illumina Laboratory Services, Illumina
Classification: Likely benign for Achromatopsia 3. Last evaluated: 2017-04-27. Review status: criteria provided, single submitter. Criteria: ICSL Variant Classification Criteria 13 December 2019. Collection method: clinical testing. Allele origin: germline.
Comment: This variant was observed as part of a predisposition screen in an ostensibly healthy population. A literature search was performed for the gene, cDNA change, and amino acid change (where applicable). No publications were found based on this search. Allele frequency data from public databases allowed determination this variant is unlikely to cause disease. Therefore, this variant is classified as likely benign.

Eurofins Ntd Llc (ga)
Classification: Benign. Last evaluated: 2016-11-29. Review status: criteria provided, single submitter. Criteria: EGL Classification Definitions 2015. Collection method: clinical testing. Allele origin: germline. Observed: 2 variant alleles, 2 heterozygotes.

PreventionGenetics, part of Exact Sciences
Classification: Likely benign. Review status: criteria provided, single submitter. Criteria: ACMG Guidelines, 2015. Collection method: clinical testing. Allele origin: germline.

Natera, Inc.
Classification: Benign for Achromatopsia. Last evaluated: 2020-01-09. Review status: no assertion criteria provided. Collection method: clinical testing. Allele origin: germline. Not counted in ClinVar's aggregate classification.

Literature cited by the submitters: PubMed 23776498 (cited by Illumina Laboratory Services, Illumina).

NM_019098.5(CNGB3):c.2415A>C (p.Glu805Asp)

Gene: CNGB3 (cyclic nucleotide gated channel subunit beta 3; minus strand). Cytogenetic location: 8q21.3.
Variant type: single nucleotide variant.
Coding change: c.2415A>C on transcript NM_019098.5 (MANE Select); coding-DNA position 2415, A replaced by C.
Protein change: p.Glu805Asp; replaces glutamic acid 805 with aspartic acid.
Molecular consequence: missense variant.
Genome position (GRCh38, 1-based): chr8:86,575,819, T>G on the plus strand (A>C on the coding strand, the complement: CNGB3 is on the minus strand). VCF-style: chr8-86575819-T-G. GRCh37 (hg19) VCF-style: chr8-87588047-T-G.
Other names: short protein forms E805D.
Identifiers: ClinVar variation 166898 (VCV000166898.21), dbSNP rs186448979, ClinGen allele CA233766.